The following is an entry in ClinVar:

ClinVar aggregate classification (germline): Pathogenic. Review status: criteria provided, multiple submitters, no conflicts (2 of 4 stars). 9 submissions from 9 submitters: Pathogenic (6). 3 of the submissions do not count toward it. Last evaluated 2026-07-13.

Conditions:
UMOD-related disorder. Also called: UMOD-related condition.
Autosomal dominant medullary cystic kidney disease with or without hyperuricemia. Identifiers: Orphanet 34149, MedGen C4511620, MONDO:0008264.
Familial juvenile hyperuricemic nephropathy type 1 (ADTKD1). Also called: UMOD-Associated Kidney Disease; Uromodulin-associated kidney disease; Autosomal Dominant Tubulointerstitial Kidney Disease – UMOD; Glomerulocystic kidney disease with hyperuricemia and isosthenuria; Medullary cystic kidney disease 2. Identifiers: Orphanet 209886, Orphanet 34149, Orphanet 88950, MedGen C4551496, MONDO:0008073, OMIM 162000.

Submissions (9):

Victorian Clinical Genetics Services, Murdoch Childrens Research Institute
Classification: Pathogenic for Familial juvenile hyperuricemic nephropathy type 1. Last evaluated: 2026-07-13. Review status: criteria provided, single submitter. Criteria: ACMG Guidelines, 2015. Collection method: clinical testing. Allele origin: germline. Affected: yes.
Comment: This variant is classified as Pathogenic. Evidence in support of pathogenic classification: In-frame insertion/deletion in a non-repetitive region that has low conservation; This variant is absent from gnomAD v4; This variant has strong previous evidence of pathogenicity in unrelated individuals. It has been reported in multiple families with UMOD-related tubulointerstitial kidney disease (ClinVar, VCGS internal data, PMIDs: 14531790, 22034507, 32274456); This variant has moderate functional evidence supporting abnormal protein function. Functional studies show that this variant causes trafficking defects and endoplasmic reticulum retention, resulting in premature intracellular polymerisation (ClinVar, PMIDs: 22034507, 25436415); Variant is located in a hotspot region or cluster of pathogenic variants in the calcium-binding EGF domain (DECIPHER, PMID: 30099615). Additional information: This variant is heterozygous; This gene is associated with autosomal dominant disease; Dominant negative is a known mechanism of disease in this gene and is associated with autosomal dominant tubulointerstitial kidney disease 1 (MIM#162000) (PMID: 22117067); Variants in this gene are known to have variable expressivity. Intrafamilial variability has been described (PMID: 21868615); Inheritance information for this variant is not currently available in this individual.

Molecular Genetics, Royal Melbourne Hospital
Classification: Pathogenic for Autosomal dominant medullary cystic kidney disease with or without hyperuricemia. Last evaluated: 2024-08-05. Review status: criteria provided, single submitter. Criteria: ACMG Guidelines, 2015. Collection method: clinical testing. Allele origin: germline. Inheritance: Autosomal dominant inheritance. Affected: yes.
Comment: This complex sequence change is a deletion of 12 bp and insertion of nine bp, predicted to cause a change in the length of the protein due to an in-frame substitution of five amino acids for four amino acids in a non-repeat region of the UMOD protein, p.(Val93_Gly97delinsAlaAlaSerCys). The variant alters a cysteine residue involved in a disulphide bond in the EGF-like domain 2 (PMID: 35273390, 36038257). The estimated population minor allele frequency in the population database gnomAD v4.1 for this complex variant is 0.001% (13/1,165,668 alleles) in the European (non-Finnish) population. It has been reported as a British founder variant for hereditary nephropathy and segregates with renal disease in multiple families (PMID: 36038257). The variant demonstrates deficient intracellular trafficking associated with endoplasmic reticulum retention and reduced secretion in multiple in vitro functional assays with limited validation (PMID: 22034507, 32954071). Based on the classification scheme RMH Modified ACMG Guidelines v1.7.0, this variant is classified as PATHOGENIC. Following criteria are met: PS4, PP1_Strong, PM1, PM2_Supporting, PS3_Supporting.

Blueprint Genetics
Classification: Pathogenic for UMOD-related disorders. Last evaluated: 2024-06-05. Review status: criteria provided, single submitter. Criteria: ACMG Guidelines, 2015. Collection method: clinical testing. Allele origin: germline. Affected: yes. Observed: 2 variant alleles.

Fulgent Genetics
Classification: Pathogenic for Familial juvenile hyperuricemic nephropathy type 1. Last evaluated: 2024-03-18. Review status: criteria provided, single submitter. Criteria: ACMG Guidelines, 2015. Collection method: clinical testing. Allele origin: germline.

Mayo Clinic Laboratories, Mayo Clinic
Classification: Pathogenic. Last evaluated: 2023-03-16. Review status: criteria provided, single submitter. Criteria: ACMG Guidelines, 2015. Collection method: clinical testing. Allele origin: germline. Observed: 1 variant allele.
Comment: PP1_strong, PM2_supporting, PM4, PS3, PS4_moderate

GeneDx
Classification: Pathogenic. Last evaluated: 2022-11-30. Review status: criteria provided, single submitter. Criteria: GeneDx Variant Classification Process June 2021. Collection method: clinical testing. Allele origin: germline. Affected: yes.
Comment: Identified in multiple unrelated families with UMOD-associated kidney disease (Smith et al., 2011; Wolf et al., 2003; Chun et al. 2020); reported in Wolf et al. as c.383del12/ins9 due to use of alternate nomenclature; In-frame deletion of 5 amino acids and insertion of 4 different amino acids in a non-repeat region predicted to critically alter the protein; Published functional studies in HEK293 cells demonstrate that c.278_289del12ins effects protein maturation and results in ER retention (Smith et al., 2011), and functional studies in tsA 201 cells demonstrate that c.278_289del12ins results in intracellular protein aggregation and premature polymerization (Stewart et al., 2015); Not observed in large population cohorts (gnomAD); This variant is associated with the following publications: (PMID: 25436415, 22034507, 14531790, 32274456, 32939031, 20301530)

Sydney Genome Diagnostics, Children's Hospital Westmead
Classification: Likely pathogenic for Autosomal dominant medullary cystic kidney disease with or without hyperuricemia. Last evaluated: 2018-09-05. Review status: no assertion criteria provided. Collection method: clinical testing. Allele origin: unknown. Affected: yes. Observed: 1 variant allele, 2 heterozygotes. Not counted in ClinVar's aggregate classification.
Comment: This variant, located in a calcium binding EGF domain of UMOD, is likely to be pathogenic as it results in the loss of 5 residues (ValCysProGluGly), including a conserved cysteine at position 94, and the insertion of 4 residues (AlaAlaSerCys). This variant has been previously reported in several members of a family with medullary cystic kidney disease (Wolf et al 2003 Kidney Int 64:1580-1587). This variant is referred to as 383del12/ins9 in this paper.

Genomics England Pilot Project, Genomics England
Classification: Pathogenic for Familial juvenile hyperuricemic nephropathy type 1. Last evaluated: 2017-12-23. Review status: no assertion criteria provided. Criteria: ACGS Guidelines, 2016. Collection method: clinical testing. Allele origin: germline. Affected: yes. Not counted in ClinVar's aggregate classification.

GeneReviews
No classification provided. Condition: Familial juvenile hyperuricemic nephropathy type 1. Review status: no classification provided. Collection method: literature only. Allele origin: germline. Not counted in ClinVar's aggregate classification.
Comment: Common pathogenic variant; associated with less frequent gout, possible association with Later onset of ESRD

Literature cited by the submitters: PubMed 21868615 (cited by Victorian Clinical Genetics Services, Murdoch Childrens Research Institute); PubMed 30099615 (cited by Victorian Clinical Genetics Services, Murdoch Childrens Research Institute); PubMed 22117067 (cited by Victorian Clinical Genetics Services, Murdoch Childrens Research Institute); PubMed 14531790 (cited by Victorian Clinical Genetics Services, Murdoch Childrens Research Institute and Mayo Clinic Laboratories, Mayo Clinic); PubMed 25436415 (cited by Victorian Clinical Genetics Services, Murdoch Childrens Research Institute and Mayo Clinic Laboratories, Mayo Clinic); PubMed 22034507 (cited by 4 submitters); PubMed 32274456 (cited by Victorian Clinical Genetics Services, Murdoch Childrens Research Institute and Mayo Clinic Laboratories, Mayo Clinic); PubMed 32954071 (cited by 3 submitters); PubMed 35273390 (cited by Molecular Genetics, Royal Melbourne Hospital); PubMed 36038257 (cited by Molecular Genetics, Royal Melbourne Hospital); PubMed 11576337 (cited by Mayo Clinic Laboratories, Mayo Clinic); PubMed 29212948 (cited by Mayo Clinic Laboratories, Mayo Clinic); PubMed 32939031 (cited by Mayo Clinic Laboratories, Mayo Clinic).

NM_003361.4(UMOD):c.278_289delinsCCGCCTCCT (p.Val93_Gly97delinsAlaAlaSerCys)

Gene: UMOD (uromodulin; minus strand). Cytogenetic location: 16p12.3.
Variant type: Indel.
Coding change: c.278_289delinsCCGCCTCCT on transcript NM_003361.4 (MANE Select); coding-DNA positions 278 to 289, TCTGCCCCGAAG replaced by CCGCCTCCT.
Protein change: p.Val93_Gly97delinsAlaAlaSerCys.
Molecular consequence: inframe indel. On other transcripts: non-coding transcript variant (1).
Genome position (GRCh38, 1-based): chr16:20,349,012-20,349,023, CTTCGGGGCAGA replaced by AGGAGGCGG on the plus strand (TCTGCCCCGAAG replaced by CCGCCTCCT on the coding strand, the reverse complement: UMOD is on the minus strand). VCF-style: chr16-20349012-CTTCGGGGCAGA-AGGAGGCGG. GRCh37 (hg19) VCF-style: chr16-20360334-CTTCGGGGCAGA-AGGAGGCGG.
Other names: c.278_289delinsCCGCCTCCT, p.Val93_Gly97delinsAlaAlaSerCys (NM_001378233.1, NM_001378234.1, NM_001378235.1 and 3 more transcripts); c.278_289delTCTGCCCCGAAGinsCCGCCTCCT (NM_003361.3); c.377_388delinsCCGCCTCCT, p.Val126_Gly130delinsAlaAlaSerCys (NM_001278614.2).
Identifiers: ClinVar variation 242346 (VCV000242346.25), dbSNP rs878855325, ClinGen allele CA10583988.
Genomic context (GRCh38, chr16:20,349,012, plus strand): 5'-GCCCAGGCTCAGCGCACTCATCCACGTCTGTGCAGCCGAGACCGGGCGACAGGCGGAAGC[CTTCGGGGCAGA>AGGAGGCGG]CGCAGGAGAAGGAGCCTGGCGTGTTTACGCAGCTGCTGTTGGCGGAGCAGTTGTGAGCTC-3'